The following is an entry in ClinVar:

NM_002476.2(MYL4):c.248G>T (p.Arg83Leu)

Gene: MYL4 (myosin light chain 4; plus strand). Cytogenetic location: 17q21.32.
Variant type: single nucleotide variant.
Coding change: c.248G>T on transcript NM_002476.2 (MANE Select); coding-DNA position 248, G replaced by T.
Protein change: p.Arg83Leu; replaces arginine 83 with leucine.
Molecular consequence: missense variant.
Genome position (GRCh38, 1-based): chr17:47,219,988, G>T. VCF-style: chr17-47219988-G-T. GRCh37 (hg19) VCF-style: chr17-45297354-G-T.
Other names: c.248G>T, p.Arg83Leu (NM_001002841.2); short protein forms R83L.
Identifiers: ClinVar variation 1016119 (VCV001016119.8), dbSNP rs760514647, ClinGen allele CA400021104.
Genomic context (GRCh38, chr17:47,219,988, plus strand): 5'-TTGACCGGACCCCGACTGGAGAGATGAAGATCACCTACGGCCAGTGCGGGGATGTACTGC[G>T]GGCCCTGGGCCAGAACCCTACCAATGCCGAGGTGCTGCGTGTGCTGGGCAAGCCCAAGCC-3'
Protein context (NP_002467.1, residues 73-93): ITYGQCGDVL[Arg83Leu]ALGQNPTNAE

ClinVar aggregate classification (germline): Uncertain significance (1 of 4 stars; one submission).

Conditions:
Atrial fibrillation, familial, 18 (ATFB18). Identifiers: MedGen C4310636, MONDO:0015001, OMIM 617280.

gnomAD v4.1: 1 of 1,614,188 alleles (0.000062%); no homozygotes.

Submission:

Labcorp Genetics (formerly Invitae), Labcorp
Classification: Uncertain significance for Atrial fibrillation, familial, 18. Last evaluated: 2020-07-22. Review status: criteria provided, single submitter. Criteria: Invitae Variant Classification Sherloc (09022015). Collection method: clinical testing. Allele origin: germline.
Comment: In summary, the available evidence is currently insufficient to determine the role of this variant in disease. Therefore, it has been classified as a Variant of Uncertain Significance. Algorithms developed to predict the effect of missense changes on protein structure and function (SIFT, PolyPhen-2, Align-GVGD) all suggest that this variant is likely to be disruptive, but these predictions have not been confirmed by published functional studies and their clinical significance is uncertain. This variant has not been reported in the literature in individuals with MYL4-related conditions. This variant is not present in population databases (ExAC no frequency). This sequence change replaces arginine with leucine at codon 83 of the MYL4 protein (p.Arg83Leu). The arginine residue is highly conserved and there is a moderate physicochemical difference between arginine and leucine.